The following is an entry in ClinVar:

NM_004304.5(ALK):c.507T>A (p.Asn169Lys)

Gene: ALK (ALK receptor tyrosine kinase; minus strand). Cytogenetic location: 2p23.1.
Variant type: single nucleotide variant.
Coding change: c.507T>A on transcript NM_004304.5 (MANE Select); coding-DNA position 507, T replaced by A.
Protein change: p.Asn169Lys; replaces asparagine 169 with lysine.
Molecular consequence: missense variant.
Genome position (GRCh38, 1-based): chr2:29,920,153, A>T on the plus strand (T>A on the coding strand, the complement: ALK is on the minus strand). VCF-style: chr2-29920153-A-T. GRCh37 (hg19) VCF-style: chr2-30143019-A-T.
Other names: short protein forms N169K.
Identifiers: ClinVar variation 4041094 (VCV004041094.1).

ClinVar aggregate classification (germline): Uncertain significance (1 of 4 stars; one submission).

Conditions:
Hereditary cancer-predisposing syndrome. Also called: Neoplastic Syndromes, Hereditary; Tumor predisposition; Hereditary neoplastic syndrome; Hereditary Cancer Syndrome. Identifiers: Orphanet 140162, MedGen C0027672, MeSH D009386, MONDO:0015356.

Submission:

Ambry Genetics
Classification: Uncertain significance for Hereditary cancer-predisposing syndrome. Last evaluated: 2025-06-02. Review status: criteria provided, single submitter. Criteria: Ambry Variant Classification Scheme 2023. Collection method: clinical testing. Allele origin: germline.
Comment: The p.N169K variant (also known as c.507T>A), located in coding exon 1 of the ALK gene, results from a T to A substitution at nucleotide position 507. The asparagine at codon 169 is replaced by lysine, an amino acid with similar properties. This amino acid position is conserved. In addition, this alteration is predicted to be tolerated by in silico analysis. Based on the available evidence, the clinical significance of this variant remains unclear.